The following is an entry in ClinVar:

ClinVar aggregate classification (germline): Uncertain significance (1 of 4 stars; one submission).

Conditions:
Familial cancer of breast. Also called: Hereditary breast cancer; hereditary breast carcinoma; BREAST CANCER, FAMILIAL. Identifiers: Orphanet 227535, MedGen C0346153, MONDO:0016419, OMIM 114480. Disease mechanism: loss of function.

Submission:

Labcorp Genetics (formerly Invitae), Labcorp
Classification: Uncertain significance for Familial cancer of breast. Last evaluated: 2019-04-24. Review status: criteria provided, single submitter. Criteria: Invitae Variant Classification Sherloc (09022015). Collection method: clinical testing. Allele origin: germline.
Comment: In summary, the available evidence is currently insufficient to determine the role of this variant in disease. Therefore, it has been classified as a Variant of Uncertain Significance. This sequence change replaces leucine with serine at codon 200 of the PALB2 protein (p.Leu200Ser). The leucine residue is moderately conserved and there is a large physicochemical difference between leucine and serine. Algorithms developed to predict the effect of missense changes on protein structure and function output the following: SIFT: "Tolerated"; PolyPhen-2: "Benign"; Align-GVGD: "Class C0". The serine amino acid residue is found in multiple mammalian species, suggesting that this missense change does not adversely affect protein function. These predictions have not been confirmed by published functional studies and their clinical significance is uncertain. This variant has not been reported in the literature in individuals with PALB2-related conditions. This variant is not present in population databases (ExAC no frequency).

NM_024675.4(PALB2):c.599T>C (p.Leu200Ser)

Gene: PALB2 (partner and localizer of BRCA2; minus strand). Cytogenetic location: 16p12.2.
Variant type: single nucleotide variant.
Coding change: c.599T>C on transcript NM_024675.4 (MANE Select); coding-DNA position 599, T replaced by C.
Protein change: p.Leu200Ser; replaces leucine 200 with serine.
Molecular consequence: missense variant.
Genome position (GRCh38, 1-based): chr16:23,635,947, A>G on the plus strand (T>C on the coding strand, the complement: PALB2 is on the minus strand). VCF-style: chr16-23635947-A-G. GRCh37 (hg19) VCF-style: chr16-23647268-A-G.
Other names: short protein forms L200S.
Identifiers: ClinVar variation 946433 (VCV000946433.10), dbSNP rs1967035557, ClinGen allele CA395136694.
Genomic context (GRCh38, chr16:23,635,947, plus strand): 5'-CTGTCTTCATTAATTTCTGTAACTGGTTCTGGAGAATCTGGAAGTTCAGATTTAAGACTT[A>G]AAAGGTGAGTTCTTATTTCAGTTACTGGTGATCTAGCAGGATTTTTGCTACTGATTTCTT-3'
Protein context (NP_078951.2, residues 190-210): SPVTEIRTHL[Leu200Ser]SLKSELPDSP